The following is an entry in ClinVar:

ClinVar aggregate classification (germline): Uncertain significance (1 of 4 stars; one submission).

Conditions:
Dias-Logan syndrome. Also called: INTELLECTUAL DEVELOPMENTAL DISORDER WITH HEREDITARY PERSISTENCE OF FETAL HEMOGLOBIN; Intellectual developmental disorder with persistence of fetal hemoglobin. Identifiers: Orphanet 619233, MedGen C4310833, MONDO:0014914, OMIM 617101.

Submission:

MGZ Medical Genetics Center
Classification: Uncertain significance for Dias-Logan syndrome. Last evaluated: 2023-02-07. Review status: criteria provided, single submitter. Criteria: ACMG Guidelines, 2015. Collection method: clinical testing. Allele origin: germline. Affected: yes. Observed: 1 variant allele.
Comment: ACMG criteria applied: PVS1_MOD, PM2_SUP

NM_001363864.1(BCL11A):c.2281-2A>C

Gene: BCL11A (BCL11 transcription factor A; minus strand). Cytogenetic location: 2p16.1.
Variant type: single nucleotide variant.
Coding change: c.2281-2A>C on transcript NM_001363864.1; the canonical splice acceptor site of the intron before coding-DNA position 2281, A replaced by C.
Molecular consequence: splice acceptor variant.
Genome position (GRCh38, 1-based): chr2:60,452,668, T>G on the plus strand (A>C on the coding strand, the complement: BCL11A is on the minus strand). VCF-style: chr2-60452668-T-G. GRCh37 (hg19) VCF-style: chr2-60679803-T-G.
Other names: c.475-2A>C (NM_001405735.1, NM_001405734.1); c.2075-2A>C (NM_001405722.1, NM_001405723.1); c.373-2A>C (NM_001405736.1); c.1973-2A>C (NM_001405724.1); c.*3-2A>C (NM_001405718.1, NM_001405715.1, NM_001405712.1 and 2 more transcripts); c.2227-2A>C (NM_001405716.1); c.631-2A>C (NM_138559.2, NM_001405732.1); c.2231-2A>C (NM_018014.4); and 5 more.
Identifiers: ClinVar variation 1709732 (VCV001709732.3), dbSNP rs2466093973, ClinGen allele CA347035607.